The following is an entry in ClinVar:

NM_001082538.3(TCTN1):c.210dup (p.Val71fs)

Gene: TCTN1 (tectonic family member 1; plus strand). Cytogenetic location: 12q24.11.
Variant type: Duplication.
Coding change: c.210dup on transcript NM_001082538.3 (MANE Select); coding-DNA position 210, one base duplicated (A; older notation c.210dupA).
Protein change: p.Val71fs; shifts the reading frame from valine 71.
Molecular consequence: frameshift variant. On other transcripts: non-coding transcript variant (1), 5 prime UTR variant (4).
Genome position (GRCh38, 1-based): chr12:110,614,392, A duplicated. VCF-style (leftmost placement, unchanged base first): chr12-110614391-C-CA. GRCh37 (hg19) VCF-style: chr12-111052196-C-CA.
Other names: c.210dup, p.Val71fs (NM_001082537.3, NM_001319680.2, NM_024549.6); c.-20dup (NM_001173975.3, NM_001319682.3); c.-47dup (NM_001173976.2); c.-498dup (NM_001319681.2); short protein forms V71fs.
Identifiers: ClinVar variation 2000289 (VCV002000289.4), dbSNP rs2548754386, ClinGen allele CA2580085790.

ClinVar aggregate classification (germline): Pathogenic (1 of 4 stars; one submission).

Conditions:
Joubert syndrome. Also called: CEREBELLOPARENCHYMAL DISORDER IV; JOUBERT-BOLTSHAUSER SYNDROME; Familial aplasia of the vermis. Identifiers: Orphanet 475, MedGen C5979921, MONDO:0018772.
Meckel-Gruber syndrome. Also called: DYSENCEPHALIA SPLANCHNOCYSTICA; GRUBER SYNDROME; Dysencephalia splachnocystica. Identifiers: Orphanet 564, MedGen C0265215, MONDO:0018921.

Submission:

Labcorp Genetics (formerly Invitae), Labcorp
Classification: Pathogenic for Joubert syndrome; Meckel-Gruber syndrome. Last evaluated: 2022-05-29. Review status: criteria provided, single submitter. Criteria: Invitae Variant Classification Sherloc (09022015). Collection method: clinical testing. Allele origin: germline.
Comment: This sequence change creates a premature translational stop signal (p.Val71Serfs*11) in the TCTN1 gene. It is expected to result in an absent or disrupted protein product. Loss-of-function variants in TCTN1 are known to be pathogenic (PMID: 21725307, 22693042, 27894351). This variant is not present in population databases (gnomAD no frequency). This variant has not been reported in the literature in individuals affected with TCTN1-related conditions. For these reasons, this variant has been classified as Pathogenic.

Literature cited by the submitters: PubMed 21725307; PubMed 22693042; PubMed 27894351.